The following is an entry in ClinVar:

ClinVar aggregate classification (germline): Uncertain significance. Review status: criteria provided, multiple submitters, no conflicts (2 of 4 stars). 3 submissions from 3 submitters: Uncertain significance (3). Last evaluated 2026-03-09.

Conditions:
Inborn genetic diseases. Identifiers: MedGen C0950123, MeSH D030342.
Baller-Gerold syndrome (BGS). Also called: CRANIOSYNOSTOSIS WITH RADIAL DEFECTS. Identifiers: Orphanet 1225, MedGen C0265308, MONDO:0009039, OMIM 218600.

Allele frequency attached by ClinVar (database versions not stated): ExAC 0.00003; gnomAD exomes 0.00001 and 0.00002.
gnomAD v4.1: 4 of 1,611,314 alleles (0.00025%); highest among the groups gnomAD compares: Admixed American, 0.0067%; no homozygotes.

Submissions (3):

Ambry Genetics
Classification: Uncertain significance for Inborn genetic diseases. Last evaluated: 2026-03-09. Review status: criteria provided, single submitter. Criteria: Ambry Variant Classification Scheme 2023. Collection method: clinical testing. Allele origin: germline.
Comment: The p.S279N variant (also known as c.836G>A), located in coding exon 5 of the RECQL4 gene, results from a G to A substitution at nucleotide position 836. The serine at codon 279 is replaced by asparagine, an amino acid with highly similar properties. This amino acid position is conserved. In addition, this alteration is predicted to be tolerated by in silico analysis. Based on the available evidence, the clinical significance of this variant remains unclear.

Labcorp Genetics (formerly Invitae), Labcorp
Classification: Uncertain significance for Baller-Gerold syndrome. Last evaluated: 2022-11-23. Review status: criteria provided, single submitter. Criteria: Invitae Variant Classification Sherloc (09022015). Collection method: clinical testing. Allele origin: germline.
Comment: Advanced modeling of protein sequence and biophysical properties (such as structural, functional, and spatial information, amino acid conservation, physicochemical variation, residue mobility, and thermodynamic stability) performed at Invitae indicates that this missense variant is not expected to disrupt RECQL4 protein function. ClinVar contains an entry for this variant (Variation ID: 594781). This variant has not been reported in the literature in individuals affected with RECQL4-related conditions. This variant is present in population databases (rs780327528, gnomAD 0.01%). This sequence change replaces serine, which is neutral and polar, with asparagine, which is neutral and polar, at codon 279 of the RECQL4 protein (p.Ser279Asn). In summary, the available evidence is currently insufficient to determine the role of this variant in disease. Therefore, it has been classified as a Variant of Uncertain Significance.

Eurofins Ntd Llc (ga)
Classification: Uncertain significance. Last evaluated: 2017-11-13. Review status: criteria provided, single submitter. Criteria: EGL Classification Definitions 2015. Collection method: clinical testing. Allele origin: germline. Observed: 1 variant allele, 1 heterozygote.

NM_004260.4(RECQL4):c.836G>A (p.Ser279Asn)

Gene: RECQL4 (RecQ like helicase 4; minus strand). Cytogenetic location: 8q24.3.
Variant type: single nucleotide variant.
Coding change: c.836G>A on transcript NM_004260.4 (MANE Select); coding-DNA position 836, G replaced by A.
Protein change: p.Ser279Asn; replaces serine 279 with asparagine.
Molecular consequence: missense variant.
Genome position (GRCh38, 1-based): chr8:144,516,283, C>T on the plus strand (G>A on the coding strand, the complement: RECQL4 is on the minus strand). VCF-style: chr8-144516283-C-T. GRCh37 (hg19) VCF-style: chr8-145741667-C-T.
Other names: short protein forms S279N.
Identifiers: ClinVar variation 594781 (VCV000594781.12), dbSNP rs780327528, ClinGen allele CA4949167.